The following is an entry in ClinVar:

ClinVar aggregate classification (germline): Uncertain significance (1 of 4 stars; one submission).

Conditions:
CYP7B1-related disorder. Also called: CYP7B1-related condition.

gnomAD v4.1: 1 of 1,613,736 alleles (0.000062%); highest among the groups gnomAD compares: Non-Finnish European, 0.000085%; no homozygotes.

Submission:

PreventionGenetics, part of Exact Sciences
Classification: Uncertain significance for CYP7B1-related condition. Last evaluated: 2026-05-16. Review status: criteria provided, single submitter. Criteria: ACMG Guidelines, 2015. Collection method: clinical testing. Allele origin: germline.
Comment: The CYP7B1 c.662A>T variant is predicted to result in the amino acid substitution p.Asp221Val. To our knowledge, this variant has not been reported in the literature or in a large population database (gnomAD), indicating this variant is rare. At this time, the clinical significance of this variant is uncertain due to the absence of conclusive functional and genetic evidence.

NM_004820.5(CYP7B1):c.662A>T (p.Asp221Val)

Gene: CYP7B1 (cytochrome P450 family 7 subfamily B member 1; minus strand). Cytogenetic location: 8q12.3.
Variant type: single nucleotide variant.
Coding change: c.662A>T on transcript NM_004820.5 (MANE Select); coding-DNA position 662, A replaced by T.
Protein change: p.Asp221Val; replaces aspartic acid 221 with valine.
Molecular consequence: missense variant.
Genome position (GRCh38, 1-based): chr8:64,615,879, T>A on the plus strand (A>T on the coding strand, the complement: CYP7B1 is on the minus strand). VCF-style: chr8-64615879-T-A. GRCh37 (hg19) VCF-style: chr8-65528436-T-A.
Other names: c.662A>T, p.Asp221Val (NM_001324112.2); short protein forms D221V.
Identifiers: ClinVar variation 4986803 (VCV004986803.1).